The following is an entry in ClinVar:

NM_021076.4(NEFH):c.502C>T (p.Arg168Cys)

Gene: NEFH (neurofilament heavy chain; plus strand). Cytogenetic location: 22q12.2.
Variant type: single nucleotide variant.
Coding change: c.502C>T on transcript NM_021076.4 (MANE Select); coding-DNA position 502, C replaced by T.
Protein change: p.Arg168Cys; replaces arginine 168 with cysteine.
Molecular consequence: missense variant.
Genome position (GRCh38, 1-based): chr22:29,480,764, C>T. VCF-style: chr22-29480764-C-T. GRCh37 (hg19) VCF-style: chr22-29876753-C-T.
Other names: short protein forms R168C.
Identifiers: ClinVar variation 4805682 (VCV004805682.1).

ClinVar aggregate classification (germline): Uncertain significance (1 of 4 stars; one submission).

Submission:

Labcorp Genetics (formerly Invitae), Labcorp
Classification: Uncertain significance. Last evaluated: 2025-07-14. Review status: criteria provided, single submitter. Criteria: Invitae Variant Classification Sherloc (09022015). Collection method: clinical testing. Allele origin: germline.
Comment: This sequence change replaces arginine, which is basic and polar, with cysteine, which is neutral and slightly polar, at codon 168 of the NEFH protein (p.Arg168Cys). This variant is not present in population databases (gnomAD no frequency). This missense change has been observed in individual(s) with clinical features of amyotrophic lateral sclerosis (PMID: 34544842). Invitae Evidence Modeling of protein sequence and biophysical properties (such as structural, functional, and spatial information, amino acid conservation, physicochemical variation, residue mobility, and thermodynamic stability) indicates that this missense variant is not expected to disrupt NEFH protein function with a negative predictive value of 95%. In summary, the available evidence is currently insufficient to determine the role of this variant in disease. Therefore, it has been classified as a Variant of Uncertain Significance.

Literature cited by the submitters: PubMed 34544842.